The following is an entry in ClinVar:

ClinVar aggregate classification (germline): Uncertain significance (1 of 4 stars; one submission).

Conditions:
Familial adenomatous polyposis 1 (FAP1). Also called: FAMILIAL ADENOMATOUS POLYPOSIS 1, ATTENUATED; POLYPOSIS, ADENOMATOUS INTESTINAL. Identifiers: MedGen C2713442, MONDO:0021056, OMIM 175100. Disease mechanism: loss of function.

Allele frequency attached by ClinVar (database versions not stated): gnomAD 0.00001.

Submission:

Labcorp Genetics (formerly Invitae), Labcorp
Classification: Uncertain significance for Familial adenomatous polyposis 1. Last evaluated: 2024-09-11. Review status: criteria provided, single submitter. Criteria: Invitae Variant Classification Sherloc (09022015). Collection method: clinical testing. Allele origin: germline.
Comment: This variant occurs in a non-coding region of the APC gene. It does not change the encoded amino acid sequence of the APC protein. This variant is not present in population databases (gnomAD no frequency). This variant has not been reported in the literature in individuals affected with APC-related conditions. Experimental studies and prediction algorithms are not available or were not evaluated, and the functional significance of this variant is currently unknown. In summary, the available evidence is currently insufficient to determine the role of this variant in disease. Therefore, it has been classified as a Variant of Uncertain Significance.

NM_001127511.3(APC):c.120C>T (p.Ser40=)

Gene: APC (APC regulator of Wnt signaling pathway; plus strand). Cytogenetic location: 5q22.2.
Variant type: single nucleotide variant.
Coding change: c.120C>T on transcript NM_001127511.3; coding-DNA position 120, C replaced by T.
Protein change: p.Ser40=; no amino-acid change (serine 40 retained).
Molecular consequence: synonymous variant. On other transcripts: 5 prime UTR variant (8), non-coding transcript variant (1), intron variant (5).
Genome position (GRCh38, 1-based): chr5:112,707,837, C>T. VCF-style: chr5-112707837-C-T. GRCh37 (hg19) VCF-style: chr5-112043534-C-T.
Other names: c.-1099C>T (NM_001407472.1, NM_001407470.1); c.-19+188C>T (NM_001407448.1, NM_001407450.1, NM_001407457.1 and 1 more transcripts); c.-43+188C>T (NM_001407453.1); c.-64C>T (NM_001354895.2, NM_001407447.1, NM_001407452.1 and 3 more transcripts); c.120C>T, p.Ser40= (NM_001354897.2, NM_001354902.2, NM_001407446.1).
Identifiers: ClinVar variation 1353055 (VCV001353055.6), dbSNP rs1750613117, ClinGen allele CA1080215169.